The following is an entry in ClinVar:

NM_005876.5(SPEG):c.9473G>A (p.Arg3158His)

Genes: ASIC4-AS1 (ASIC4 antisense RNA 1; minus strand), SPEG (striated muscle enriched protein kinase; plus strand). Cytogenetic location: 2q35.
Variant type: single nucleotide variant.
Coding change: c.9473G>A on transcript NM_005876.5 (MANE Select); coding-DNA position 9473, G replaced by A.
Protein change: p.Arg3158His; replaces arginine 3158 with histidine.
Molecular consequence: missense variant.
Genome position (GRCh38, 1-based): chr2:219,492,122, G>A. VCF-style: chr2-219492122-G-A. GRCh37 (hg19) VCF-style: chr2-220356844-G-A.
Other names: p.Arg3158His; c.9473G>A (NM_005876.4); short protein forms R3158H.
Identifiers: ClinVar variation 1518848 (VCV001518848.8), dbSNP rs377623209, ClinGen allele CA2127783.
Genomic context (GRCh38, chr2:219,492,122, plus strand): 5'-GTGTTGGCCTCCGGTCTGCATACGTCAATCAAGCTATCTTCCCCAACAGGCTCAGTGGAC[G>A]CTCCCCGTTCTATGAGCCAGACCCCCAGGAAACGGAGGCTCGGATTGTGGGGGGCCGCTT-3'
Protein context (NP_005867.3, residues 3148-3168): GVLTYIMLSG[Arg3158His]SPFYEPDPQE

ClinVar aggregate classification (germline): Conflicting classifications of pathogenicity. Review status: criteria provided, conflicting classifications (1 of 4 stars). 3 submissions from 3 submitters: Uncertain significance (2); Likely benign (1). Last evaluated 2025-12-10.

Conditions:
Inborn genetic diseases. Identifiers: MedGen C0950123, MeSH D030342.

Allele frequency attached by ClinVar (database versions not stated): gnomAD 0.00003 and 0.00004; gnomAD exomes 0.00004 and 0.00011; ExAC 0.00009; TOPMed 0.00010; ESP Exome Variant Server 0.00016.
gnomAD v4.1: 60 of 1,611,870 alleles (0.0037%); highest among the groups gnomAD compares: Admixed American, 0.059%; no homozygotes.

Submissions (3):

Mayo Clinic Laboratories, Mayo Clinic
Classification: Uncertain significance. Last evaluated: 2025-12-10. Review status: criteria provided, single submitter. Criteria: ACMG Guidelines, 2015. Collection method: clinical testing. Allele origin: germline. Observed: 1 variant allele.
Comment: BP4_moderate

Labcorp Genetics (formerly Invitae), Labcorp
Classification: Uncertain significance. Last evaluated: 2025-10-01. Review status: criteria provided, single submitter. Criteria: Invitae Variant Classification Sherloc (09022015). Collection method: clinical testing. Allele origin: germline.
Comment: This sequence change replaces arginine, which is basic and polar, with histidine, which is basic and polar, at codon 3158 of the SPEG protein (p.Arg3158His). This variant is present in population databases (rs377623209, gnomAD 0.07%). This variant has not been reported in the literature in individuals affected with SPEG-related conditions. ClinVar contains an entry for this variant (Variation ID: 1518848). An algorithm developed to predict the effect of missense changes on protein structure and function outputs the following: PolyPhen-2: "Benign". The histidine amino acid residue is found in multiple mammalian species, which suggests that this missense change does not adversely affect protein function. In summary, the available evidence is currently insufficient to determine the role of this variant in disease. Therefore, it has been classified as a Variant of Uncertain Significance.

Ambry Genetics
Classification: Likely benign for Inborn genetic diseases. Last evaluated: 2023-10-25. Review status: criteria provided, single submitter. Criteria: Ambry Variant Classification Scheme 2023. Collection method: clinical testing. Allele origin: germline.